The following is an entry in ClinVar:

NM_001105206.3(LAMA4):c.2392C>T (p.Gln798Ter)

Gene: LAMA4 (laminin subunit alpha 4; minus strand). Cytogenetic location: 6q21.
Variant type: single nucleotide variant.
Coding change: c.2392C>T on transcript NM_001105206.3 (MANE Select); coding-DNA position 2392, C replaced by T.
Protein change: p.Gln798Ter; replaces glutamine 798 with a stop codon.
Molecular consequence: nonsense.
Genome position (GRCh38, 1-based): chr6:112,144,895, G>A on the plus strand (C>T on the coding strand, the complement: LAMA4 is on the minus strand). VCF-style: chr6-112144895-G-A. GRCh37 (hg19) VCF-style: chr6-112466097-G-A.
Other names: c.2371C>T, p.Gln791Ter (NM_001105207.3, NM_002290.5); short protein forms Q798*, Q791*.
Identifiers: ClinVar variation 4704763 (VCV004704763.1).
Genomic context (GRCh38, chr6:112,144,895, plus strand): 5'-TCCTCTGGATGCTGGCAGAAACGTTGCTTGCAGGTCGCTTCTGCTCAACCGTACGAAGCT[G>A]ATCCAGGAGCTGAGGGACAACCTCGGTCAGATTTCTTACTGCAGTTAATAAAAATTAATC-3'

ClinVar aggregate classification (germline): Uncertain significance (1 of 4 stars; one submission).

Conditions:
Dilated cardiomyopathy 1JJ (CMD1JJ). Identifiers: Orphanet 154, MedGen C3808935, MONDO:0014095, OMIM 615235.

gnomAD v4.1: 1 of 1,614,030 alleles (0.000062%); highest among the groups gnomAD compares: Non-Finnish European, 0.000085%; no homozygotes.

Submission:

Labcorp Genetics (formerly Invitae), Labcorp
Classification: Uncertain significance for Dilated cardiomyopathy 1JJ. Last evaluated: 2026-01-18. Review status: criteria provided, single submitter. Criteria: Invitae Variant Classification Sherloc (09022015). Collection method: clinical testing. Allele origin: germline.
Comment: This sequence change creates a premature translational stop signal (p.Gln791*) in the LAMA4 gene. It is expected to result in an absent or disrupted protein product. However, the current clinical and genetic evidence is not sufficient to establish whether loss-of-function variants in LAMA4 cause disease. This variant is present in population databases (no rsID available, gnomAD 0.0009%). This variant has not been reported in the literature in individuals affected with LAMA4-related conditions. In summary, the available evidence is currently insufficient to determine the role of this variant in disease. Therefore, it has been classified as a Variant of Uncertain Significance.